The following is an entry in ClinVar:

NM_001754.5(RUNX1):c.190G>A (p.Gly64Ser)

Gene: RUNX1 (RUNX family transcription factor 1; minus strand). Cytogenetic location: 21q22.12.
Variant type: single nucleotide variant.
Coding change: c.190G>A on transcript NM_001754.5 (MANE Select); coding-DNA position 190, G replaced by A.
Protein change: p.Gly64Ser; replaces glycine 64 with serine.
Molecular consequence: missense variant.
Genome position (GRCh38, 1-based): chr21:34,887,004, C>T on the plus strand (G>A on the coding strand, the complement: RUNX1 is on the minus strand). VCF-style: chr21-34887004-C-T. GRCh37 (hg19) VCF-style: chr21-36259301-C-T.
Other names: NM_001754.5(RUNX1):c.190G>A; p.Gly64Ser; c.109G>A, p.Gly37Ser (NM_001001890.3, NM_001122607.2); short protein forms G37S, G64S.
Identifiers: ClinVar variation 840832 (VCV000840832.13), dbSNP rs937170536, ClinGen allele CA320642849.
Genomic context (GRCh38, chr21:34,887,004, plus strand): 5'-CGGCCAGCACCTCCACCATGCTGCGGTCGCCGCTCCTCAGCTTGCCGGCCAGGGCAGCGC[C>T]GGCGTCCGGGGCGCCCAGCGGCAACGCCTCGCTCATCTTGCCTGGGCTCAGCGCGGTGGA-3'
Protein context (NP_001745.2, residues 54-74): EALPLGAPDA[Gly64Ser]AALAGKLRSG

ClinVar aggregate classification (germline): Uncertain significance. Review status: reviewed by expert panel (3 of 4 stars). 3 submissions from 3 submitters: Uncertain significance (1). 2 of the submissions do not count toward it. Last evaluated 2024-10-29.

Conditions:
Hereditary thrombocytopenia and hematologic cancer predisposition syndrome. Identifiers: Orphanet 71290, MedGen CN281654, MONDO:0011071.
Inborn genetic diseases. Identifiers: MedGen C0950123, MeSH D030342.
Hereditary thrombocytopenia and hematological cancer predisposition syndrome associated with RUNX1. Also called: PLATELET DISORDER, ASPIRIN-LIKE; Familial Platelet Disorder with Propensity to Acute Myelogenous Leukemia; Familial thrombocytopenia with propensity to acute myelogenous leukemia; RUNX1 Familial Platelet Disorder with Associated Myeloid Malignancies. Identifiers: Orphanet 71290, MedGen C1832388, MeSH C563324, MONDO:0100083, OMIM 601399.

Allele frequency attached by ClinVar (database versions not stated): gnomAD exomes below 0.00001; TOPMed below 0.00001; gnomAD 0.00001.
gnomAD v4.1: 3 of 1,603,770 alleles (0.00019%); highest among the groups gnomAD compares: Non-Finnish European, 0.00025%; no homozygotes.

Submissions (3):

ClinGen Myeloid Malignancy Variant Curation Expert Panel
Classification: Uncertain significance for Hereditary thrombocytopenia and hematologic cancer predisposition syndrome. Last evaluated: 2024-10-29. Review status: reviewed by expert panel. Criteria: ClinGen MyeloMalig ACMG Specifications v2. Collection method: curation. Allele origin: germline. Inheritance: Autosomal dominant inheritance.
Comment: NM_001754.5(RUNX1):c.190G>A (p.Gly64Ser) is a missense variant. Multiple lines of computational evidence (REVEL 0.353, SpliceAI: Δ score 0.02) suggest no impact on gene /gene product (BP4). This variant is completely absent from all population databases with at least 20x coverage for RUNX1 (PM2_supporting). In summary, the clinical significance of this variant is uncertain due to insufficient evidence. ACMG/AMP criteria applied, as specified by the Myeloid Malignancy Variant Curation Expert Panel for RUNX1: BP4, PM2_supporting.

Ambry Genetics
Classification: Uncertain significance for Inborn genetic diseases. Last evaluated: 2025-02-02. Review status: criteria provided, single submitter. Criteria: Ambry Variant Classification Scheme 2023. Collection method: clinical testing. Allele origin: germline. Not counted in ClinVar's aggregate classification.
Comment: The p.G64S variant (also known as c.190G>A), located in coding exon 3 of the RUNX1 gene, results from a G to A substitution at nucleotide position 190. The glycine at codon 64 is replaced by serine, an amino acid with similar properties. This amino acid position is conserved. In addition, the in silico prediction for this alteration is inconclusive. Based on the available evidence, the clinical significance of this variant remains unclear.

Labcorp Genetics (formerly Invitae), Labcorp
Classification: Uncertain significance for Hereditary thrombocytopenia and hematological cancer predisposition syndrome associated with RUNX1. Last evaluated: 2022-11-23. Review status: criteria provided, single submitter. Criteria: Invitae Variant Classification Sherloc (09022015). Collection method: clinical testing. Allele origin: germline. Not counted in ClinVar's aggregate classification.
Comment: Algorithms developed to predict the effect of missense changes on protein structure and function output the following: SIFT: "Tolerated"; PolyPhen-2: "Benign"; Align-GVGD: "Class C0". The serine amino acid residue is found in multiple mammalian species, which suggests that this missense change does not adversely affect protein function. In summary, the available evidence is currently insufficient to determine the role of this variant in disease. Therefore, it has been classified as a Variant of Uncertain Significance. ClinVar contains an entry for this variant (Variation ID: 840832). This variant has not been reported in the literature in individuals affected with RUNX1-related conditions. This variant is not present in population databases (gnomAD no frequency). This sequence change replaces glycine, which is neutral and non-polar, with serine, which is neutral and polar, at codon 64 of the RUNX1 protein (p.Gly64Ser).